The following is an entry in ClinVar:

NM_024642.5(GALNT12):c.89T>C (p.Leu30Ser)

Genes: GALNT12 (polypeptide N-acetylgalactosaminyltransferase 12; plus strand), LOC130002222 (ATAC-STARR-seq lymphoblastoid silent region 20123; plus strand). Cytogenetic location: 9q22.33.
Variant type: single nucleotide variant.
Coding change: c.89T>C on transcript NM_024642.5 (MANE Select); coding-DNA position 89, T replaced by C.
Protein change: p.Leu30Ser; replaces leucine 30 with serine.
Molecular consequence: missense variant.
Genome position (GRCh38, 1-based): chr9:98,807,787, T>C. VCF-style: chr9-98807787-T-C. GRCh37 (hg19) VCF-style: chr9-101570069-T-C.
Other names: short protein forms L30S.
Identifiers: ClinVar variation 3518472 (VCV003518472.1).
Genomic context (GRCh38, chr9:98,807,787, plus strand): 5'-GCCCGCGGGAACTGCGGCGCGGCCGGGAGGCGCTGTTGGTGCTCCTGGCGCTACTGGCGT[T>C]GGCCGGGCTGGGCTCGGTGCTGCGGGCGCAGCGTGGGGCCGGGGCCGGGGCTGCCGAGCC-3'
Protein context (NP_078918.3, residues 20-40): ALLVLLALLA[Leu30Ser]AGLGSVLRAQ

ClinVar aggregate classification (germline): Uncertain significance (1 of 4 stars; one submission).

Submission:

Ambry Genetics
Classification: Uncertain significance. Last evaluated: 2024-10-08. Review status: criteria provided, single submitter. Criteria: Ambry Variant Classification Scheme 2023. Collection method: clinical testing. Allele origin: germline.
Comment: The p.L30S variant (also known as c.89T>C), located in coding exon 1 of the GALNT12 gene, results from a T to C substitution at nucleotide position 89. The leucine at codon 30 is replaced by serine, an amino acid with dissimilar properties. This amino acid position is highly conserved in available vertebrate species. In addition, this alteration is predicted to be tolerated by in silico analysis. The evidence for this gene-disease relationship is limited; therefore, the clinical significance of this alteration is unclear.